The following is an entry in ClinVar:

NM_004320.6(ATP2A1):c.1039G>A (p.Val347Ile)

Gene: ATP2A1 (ATPase sarcoplasmic/endoplasmic reticulum Ca2+ transporting 1; plus strand). Cytogenetic location: 16p11.2.
Variant type: single nucleotide variant.
Coding change: c.1039G>A on transcript NM_004320.6 (MANE Select); coding-DNA position 1039, G replaced by A.
Protein change: p.Val347Ile; replaces valine 347 with isoleucine.
Molecular consequence: missense variant.
Genome position (GRCh38, 1-based): chr16:28,888,897, G>A. VCF-style: chr16-28888897-G-A. GRCh37 (hg19) VCF-style: chr16-28900218-G-A.
Other names: c.664G>A, p.Val222Ile (NM_001286075.2); c.1039G>A, p.Val347Ile (NM_173201.5); c.1039G>A (NM_173201.3); short protein forms V347I, V222I.
Identifiers: ClinVar variation 1376304 (VCV001376304.7), dbSNP rs371545107, ClinGen allele CA279233109.
Genomic context (GRCh38, chr16:28,888,897, plus strand): 5'-GCAAAGAAGAATGCCATTGTAAGAAGCTTGCCCTCCGTAGAGACCCTGGGCTGCACCTCT[G>A]TCATCTGTTCCGACAAGACAGGCACCCTCACCACCAACCAGATGTCTGTCTGCAAGGTCA-3'
Protein context (NP_004311.1, residues 337-357): PSVETLGCTS[Val347Ile]ICSDKTGTLT

ClinVar aggregate classification (germline): Uncertain significance. Review status: criteria provided, multiple submitters, no conflicts (2 of 4 stars). 2 submissions from 2 submitters: Uncertain significance (2). Last evaluated 2025-07-31.

Conditions:
Inborn genetic diseases. Identifiers: MedGen C0950123, MeSH D030342.
Brody myopathy. Also called: BRODY DISEASE. Identifiers: Orphanet 53347, MedGen C1832918, MONDO:0010977, OMIM 601003.

Allele frequency attached by ClinVar (database versions not stated): gnomAD 0.00001; TOPMed 0.00002; ESP Exome Variant Server 0.00008.
gnomAD v4.1: 22 of 1,613,984 alleles (0.0014%); highest among the groups gnomAD compares: Non-Finnish European, 0.0018%; 1 homozygote.

Submissions (2):

Ambry Genetics
Classification: Uncertain significance for Inborn genetic diseases. Last evaluated: 2025-07-31. Review status: criteria provided, single submitter. Criteria: Ambry Variant Classification Scheme 2023. Collection method: clinical testing. Allele origin: germline.

Labcorp Genetics (formerly Invitae), Labcorp
Classification: Uncertain significance for Brody myopathy. Last evaluated: 2024-03-26. Review status: criteria provided, single submitter. Criteria: Invitae Variant Classification Sherloc (09022015). Collection method: clinical testing. Allele origin: germline.
Comment: This sequence change replaces valine, which is neutral and non-polar, with isoleucine, which is neutral and non-polar, at codon 347 of the ATP2A1 protein (p.Val347Ile). This variant is not present in population databases (gnomAD no frequency). This variant has not been reported in the literature in individuals affected with ATP2A1-related conditions. ClinVar contains an entry for this variant (Variation ID: 1376304). An algorithm developed to predict the effect of missense changes on protein structure and function (PolyPhen-2) suggests that this variant is likely to be disruptive. In summary, the available evidence is currently insufficient to determine the role of this variant in disease. Therefore, it has been classified as a Variant of Uncertain Significance.